The following is an entry in ClinVar:

NM_138386.3(NAF1):c.1378C>T (p.Pro460Ser)

Gene: NAF1 (nuclear assembly factor 1 ribonucleoprotein; minus strand). Cytogenetic location: 4q32.2.
Variant type: single nucleotide variant.
Coding change: c.1378C>T on transcript NM_138386.3 (MANE Select); coding-DNA position 1378, C replaced by T.
Protein change: p.Pro460Ser; replaces proline 460 with serine.
Molecular consequence: missense variant. On other transcripts: intron variant (1).
Genome position (GRCh38, 1-based): chr4:163,129,004, G>A on the plus strand (C>T on the coding strand, the complement: NAF1 is on the minus strand). VCF-style: chr4-163129004-G-A. GRCh37 (hg19) VCF-style: chr4-164050156-G-A.
Other names: c.1378C>T (NM_138386.2); c.1034-1889C>T (NM_001128931.2); short protein forms P460S.
Identifiers: ClinVar variation 3718432 (VCV003718432.3).

ClinVar aggregate classification (germline): Uncertain significance. Review status: criteria provided, multiple submitters, no conflicts (2 of 4 stars). 2 submissions from 2 submitters: Uncertain significance (2). Last evaluated 2025-11-12.

gnomAD v4.1: 60 of 1,464,924 alleles (0.0041%); highest among the groups gnomAD compares: Middle Eastern, 0.049%; 1 homozygote.

Submissions (2):

Labcorp Genetics (formerly Invitae), Labcorp
Classification: Uncertain significance. Last evaluated: 2025-11-12. Review status: criteria provided, single submitter. Criteria: Invitae Variant Classification Sherloc (09022015). Collection method: clinical testing. Allele origin: germline.
Comment: This sequence change replaces proline, which is neutral and non-polar, with serine, which is neutral and polar, at codon 460 of the NAF1 protein (p.Pro460Ser). The frequency data for this variant in the population databases is considered unreliable, as metrics indicate poor data quality at this position in the gnomAD database. This variant has not been reported in the literature in individuals affected with NAF1-related conditions. ClinVar contains an entry for this variant (Variation ID: 3718432). An algorithm developed to predict the effect of missense changes on protein structure and function outputs the following: PolyPhen-2: "Probably Damaging". The serine amino acid residue is found in multiple mammalian species, which suggests that this missense change does not adversely affect protein function. In summary, the available evidence is currently insufficient to determine the role of this variant in disease. Therefore, it has been classified as a Variant of Uncertain Significance.

Ambry Genetics
Classification: Uncertain significance. Last evaluated: 2024-12-24. Review status: criteria provided, single submitter. Criteria: Ambry Variant Classification Scheme 2023. Collection method: clinical testing. Allele origin: germline.